The following is an entry in ClinVar:

ClinVar aggregate classification (germline): Pathogenic (1 of 4 stars; one submission).

Conditions:
Familial multiple polyposis syndrome (FAP). Also called: Familial adenomatous polyposis; Familial polyposis; Classic familial adenomatous polyposis; Familial Adenomatous Polyposis (FAP); Familial intestinal polyposis. Identifiers: Orphanet 733, MedGen C0032580, MONDO:0021055. Disease mechanism: loss of function.

Submission:

Women's Health and Genetics/Laboratory Corporation of America, LabCorp
Classification: Pathogenic for Familial multiple polyposis syndrome. Last evaluated: 2026-01-20. Review status: criteria provided, single submitter. Criteria: LabCorp Variant Classification Summary - May 2015. Collection method: clinical testing. Allele origin: germline.
Comment: Variant summary: The variant involves the deletion of exons 9-11 in the APC gene. A presumed nomenclature of c.(834+1_835-1)_(1408+1_1409-1)del has been designated for the purposes of this classification. This Copy Number Variant (CNV) is expected to alter the reading frame and predicted to result in a truncation or absence of the encoded protein due to nonsense mediated decay (NMD). Loss-of-function variants in this gene are known to be pathogenic. The variant was absent in 21694 control chromosomes. A similar copy number variant has been observed in individual(s) undergoing genetic screening for Familial Adenomatous Polyposis (example, Kerr_2012). The following publication has been ascertained in the context of this evaluation (PMID: 23159591). ClinVar contains an entry for a similar copy number variant (Variation ID: 832097). Based on the evidence outlined above, the variant was classified as pathogenic.

Literature cited by the submitters: PubMed 23159591.

NC_000005.9:g.(112137081_112151191)_(112157689_112162804)del

Gene: APC (APC regulator of Wnt signaling pathway; plus strand). Cytogenetic location: 5q22.2.
Variant type: Deletion.
Identifiers: ClinVar variation 4689192 (VCV004689192.1).